The following is an entry in ClinVar:

ClinVar aggregate classification (germline): Uncertain significance (1 of 4 stars; one submission).

gnomAD v4.1: 2 of 1,613,892 alleles (0.00012%); highest among the groups gnomAD compares: Non-Finnish European, 0.00017%; no homozygotes.

Submission:

GeneDx
Classification: Uncertain significance. Last evaluated: 2026-02-08. Review status: criteria provided, single submitter. Criteria: GeneDx Variant Classification Process June 2021. Collection method: clinical testing. Allele origin: germline.
Comment: Not observed at significant frequency in large population cohorts (gnomAD); In silico analysis supports that this missense variant has a deleterious effect on protein structure/function; Has not been previously published as pathogenic or benign to our knowledge; Located in one of the three hot-spot regions of the RYR2 gene, where the majority of pathogenic missense variants occur (PMID: 19926015); This variant is associated with the following publications: (PMID: 19926015)

NM_001035.3(RYR2):c.7576C>G (p.Pro2526Ala)

Gene: RYR2 (ryanodine receptor 2; plus strand). Cytogenetic location: 1q43.
Variant type: single nucleotide variant.
Coding change: c.7576C>G on transcript NM_001035.3 (MANE Select); coding-DNA position 7576, C replaced by G.
Protein change: p.Pro2526Ala; replaces proline 2526 with alanine.
Molecular consequence: missense variant.
Genome position (GRCh38, 1-based): chr1:237,649,940, C>G. VCF-style: chr1-237649940-C-G. GRCh37 (hg19) VCF-style: chr1-237813240-C-G.
Other names: short protein forms P2526A.
Identifiers: ClinVar variation 4976054 (VCV004976054.1).
Genomic context (GRCh38, chr1:237,649,940, plus strand): 5'-GCTTTGAGTGCTACAGACATGGCCTTGGCCCTCAATCGGTACCTTTGCACAGCCGTCTTG[C>G]CATTGTTAACAAGATGTGCTCCTCTCTTTGCTGGCACAGAGCACCACGCTTCTCTCATTG-3'
Protein context (NP_001026.2, residues 2516-2536): LNRYLCTAVL[Pro2526Ala]LLTRCAPLFA